The following is an entry in ClinVar:

ClinVar aggregate classification (germline): Uncertain significance (1 of 4 stars; one submission).

Submission:

GeneDx
Classification: Uncertain significance. Last evaluated: 2024-03-18. Review status: criteria provided, single submitter. Criteria: GeneDx Variant Classification Process June 2021. Collection method: clinical testing. Allele origin: germline. Affected: yes.
Comment: Not observed at significant frequency in large population cohorts (gnomAD); In silico analysis supports that this missense variant has a deleterious effect on protein structure/function; Has not been previously published as pathogenic or benign to our knowledge

NM_000138.5(FBN1):c.2378C>T (p.Pro793Leu)

Gene: FBN1 (fibrillin 1; minus strand). Cytogenetic location: 15q21.1.
Variant type: single nucleotide variant.
Coding change: c.2378C>T on transcript NM_000138.5 (MANE Select); coding-DNA position 2378, C replaced by T.
Protein change: p.Pro793Leu; replaces proline 793 with leucine.
Molecular consequence: missense variant.
Genome position (GRCh38, 1-based): chr15:48,496,141, G>A on the plus strand (C>T on the coding strand, the complement: FBN1 is on the minus strand). VCF-style: chr15-48496141-G-A. GRCh37 (hg19) VCF-style: chr15-48788338-G-A.
Other names: c.2378C>T, p.Pro793Leu (NM_001406716.1); short protein forms P793L.
Identifiers: ClinVar variation 3371051 (VCV003371051.1).
Genomic context (GRCh38, chr15:48,496,141, plus strand): 5'-GAACAAAAATATGGTTTACCTTCACATGTTTTTAGATCAGGTTTGTAGATAAATCCCTTG[G>A]GGCAGGTACAGACAAAACTTCCAGGAGTATTTCTACATTGTCCATTGTCACAAAGGAGAC-3'
Protein context (NP_000129.3, residues 783-803): NTPGSFVCTC[Pro793Leu]KGFIYKPDLK